The following is an entry in ClinVar:

ClinVar aggregate classification (germline): Uncertain significance (1 of 4 stars; one submission).

Conditions:
Familial hemophagocytic lymphohistiocytosis 2 (FHL2). Also called: PRF1-Related Familial Hemophagocytic Lymphohistiocytosis (PRF1-fHLH). Identifiers: Orphanet 540, MedGen C1863727, MONDO:0011337, OMIM 603553.

Allele frequency attached by ClinVar (database versions not stated): gnomAD exomes below 0.00001; gnomAD 0.00001; TOPMed 0.00001.
gnomAD v4.1: 2 of 1,613,994 alleles (0.00012%); highest among the groups gnomAD compares: Non-Finnish European, 0.00017%; no homozygotes.

Submission:

Labcorp Genetics (formerly Invitae), Labcorp
Classification: Uncertain significance for Familial hemophagocytic lymphohistiocytosis 2. Last evaluated: 2022-02-20. Review status: criteria provided, single submitter. Criteria: Invitae Variant Classification Sherloc (09022015). Collection method: clinical testing. Allele origin: germline.
Comment: This sequence change replaces phenylalanine, which is neutral and non-polar, with leucine, which is neutral and non-polar, at codon 442 of the PRF1 protein (p.Phe442Leu). This variant is not present in population databases (gnomAD no frequency). This variant has not been reported in the literature in individuals affected with PRF1-related conditions. Algorithms developed to predict the effect of missense changes on protein structure and function are either unavailable or do not agree on the potential impact of this missense change (SIFT: "Deleterious"; PolyPhen-2: "Benign"; Align-GVGD: "Class C0"). In summary, the available evidence is currently insufficient to determine the role of this variant in disease. Therefore, it has been classified as a Variant of Uncertain Significance.

NM_001083116.3(PRF1):c.1324T>C (p.Phe442Leu)

Gene: PRF1 (perforin 1; minus strand). Cytogenetic location: 10q22.1.
Variant type: single nucleotide variant.
Coding change: c.1324T>C on transcript NM_001083116.3 (MANE Select); coding-DNA position 1324, T replaced by C.
Protein change: p.Phe442Leu; replaces phenylalanine 442 with leucine.
Molecular consequence: missense variant.
Genome position (GRCh38, 1-based): chr10:70,598,397, A>G on the plus strand (T>C on the coding strand, the complement: PRF1 is on the minus strand). VCF-style: chr10-70598397-A-G. GRCh37 (hg19) VCF-style: chr10-72358153-A-G.
Other names: c.1324T>C, p.Phe442Leu (NM_005041.6); short protein forms F442L.
Identifiers: ClinVar variation 2100466 (VCV002100466.1), dbSNP rs1279358826, ClinGen allele CA376955995.